The following is an entry in ClinVar:

NM_015230.4(ARAP2):c.1336G>A (p.Val446Ile)

Gene: ARAP2 (ArfGAP with RhoGAP domain, ankyrin repeat and PH domain 2; minus strand). Cytogenetic location: 4p14.
Variant type: single nucleotide variant.
Coding change: c.1336G>A on transcript NM_015230.4 (MANE Select); coding-DNA position 1336, G replaced by A.
Protein change: p.Val446Ile; replaces valine 446 with isoleucine.
Molecular consequence: missense variant. On other transcripts: non-coding transcript variant (2).
Genome position (GRCh38, 1-based): chr4:36,210,541, C>T on the plus strand (G>A on the coding strand, the complement: ARAP2 is on the minus strand). VCF-style: chr4-36210541-C-T. GRCh37 (hg19) VCF-style: chr4-36212163-C-T.
Other names: short protein forms V446I.
Identifiers: ClinVar variation 2654708 (VCV002654708.24), dbSNP rs75155324, ClinGen allele CA2885193.

ClinVar aggregate classification (germline): Likely benign (1 of 4 stars; one submission).

Allele frequency attached by ClinVar (database versions not stated): gnomAD 0.00073; ESP Exome Variant Server 0.00100; TOPMed 0.00065.
gnomAD v4.1: 1,645 of 1,613,734 alleles (0.1%); highest among the groups gnomAD compares: Non-Finnish European, 0.13%; no homozygotes.

Submission:

CeGaT Center for Human Genetics Tuebingen
Classification: Likely benign. Last evaluated: 2024-01-01. Review status: criteria provided, single submitter. Criteria: CeGaT Center For Human Genetics Tuebingen Variant Classification Criteria Version 2. Collection method: clinical testing. Allele origin: germline. Affected: yes. Observed: 2 variant alleles.
Comment: ARAP2: BP4